The following is an entry in ClinVar:

NM_000540.3(RYR1):c.9896G>T (p.Gly3299Val)

Gene: RYR1 (ryanodine receptor 1; plus strand). Cytogenetic location: 19q13.2.
Variant type: single nucleotide variant.
Coding change: c.9896G>T on transcript NM_000540.3 (MANE Select); coding-DNA position 9896, G replaced by T.
Protein change: p.Gly3299Val; replaces glycine 3299 with valine.
Molecular consequence: missense variant.
Genome position (GRCh38, 1-based): chr19:38,517,569, G>T. VCF-style: chr19-38517569-G-T. GRCh37 (hg19) VCF-style: chr19-39008209-G-T.
Other names: c.9896G>T, p.Gly3299Val (NM_001042723.2); short protein forms G3299V.
Identifiers: ClinVar variation 544379 (VCV000544379.16), dbSNP rs376790408, ClinGen allele CA074301.

ClinVar aggregate classification (germline): Conflicting classifications of pathogenicity. Review status: criteria provided, conflicting classifications (1 of 4 stars). 5 submissions from 5 submitters: Uncertain significance (2); Likely benign (3). Last evaluated 2025-10-01.

Conditions:
Malignant hyperthermia, susceptibility to, 1 (MHS1). Also called: Anesthesia related hyperthermia; Malignant hyperpyrexia; Fulminating hyperpyrexia; Pharmacogenic myopathy; RYR1-Related Malignant Hyperthermia Susceptibility; Malignant hyperthermia suceptibility 1. Identifiers: Orphanet 423, MedGen C2930980, MONDO:0007783, OMIM 145600.
RYR1-related disorder. Also called: RYR1-related disorders; RYR1-related condition. Identifiers: MedGen CN239331.
Inborn genetic diseases. Identifiers: MedGen C0950123, MeSH D030342.

Allele frequency attached by ClinVar (database versions not stated): gnomAD exomes 0.00002 and 0.00006; ExAC 0.00007; ESP Exome Variant Server 0.00008; 1000 Genomes Project 30x 0.00016; gnomAD 0.00018 and 0.00019; 1000 Genomes Project 0.00020; TOPMed 0.00028.
gnomAD v4.1: 59 of 1,613,872 alleles (0.0037%); highest among the groups gnomAD compares: African/African-American, 0.073%; no homozygotes.

Submissions (5):

Labcorp Genetics (formerly Invitae), Labcorp
Classification: Likely benign for RYR1-related disorder. Last evaluated: 2025-10-01. Review status: criteria provided, single submitter. Criteria: Invitae Variant Classification Sherloc (09022015). Collection method: clinical testing. Allele origin: germline.

Ambry Genetics
Classification: Uncertain significance for Inborn genetic diseases. Last evaluated: 2025-04-08. Review status: criteria provided, single submitter. Criteria: Ambry Variant Classification Scheme 2023. Collection method: clinical testing. Allele origin: germline.

All of Us Research Program, National Institutes of Health
Classification: Likely benign for Malignant hyperthermia, susceptibility to, 1. Last evaluated: 2024-02-05. Review status: criteria provided, single submitter. Criteria: ACMG Guidelines, 2015. Collection method: clinical testing. Allele origin: germline. Inheritance: Autosomal dominant inheritance. Observed: 10 variant alleles, 10 heterozygotes.
Comment: This study involves interpretation of variants in research participants for the purpose of population health screening. Participant phenotype was not available at the time of variant classification. Additional details can be found in publication PMID: 35346344, PMCID: PMC8962531

Color Diagnostics, LLC DBA Color Health
Classification: Likely benign for Malignant hyperthermia, susceptibility to, 1. Last evaluated: 2023-05-01. Review status: criteria provided, single submitter. Criteria: ACMG Guidelines, 2015. Collection method: clinical testing. Allele origin: germline.

GeneDx
Classification: Uncertain significance. Last evaluated: 2019-05-24. Review status: criteria provided, single submitter. Criteria: GeneDx Variant Classification Process June 2021. Collection method: clinical testing. Allele origin: germline. Affected: yes.
Comment: In silico analysis, which includes protein predictors and evolutionary conservation, supports that this variant does not alter protein structure/function; Has not been previously published as pathogenic or benign to our knowledge